The following is an entry in ClinVar:

ClinVar aggregate classification (germline): Uncertain significance (1 of 4 stars; one submission).

Submission:

GeneDx
Classification: Uncertain significance. Last evaluated: 2024-05-12. Review status: criteria provided, single submitter. Criteria: GeneDx Variant Classification Process June 2021. Collection method: clinical testing. Allele origin: germline. Affected: yes.
Comment: Not observed at significant frequency in large population cohorts (gnomAD); In silico analysis indicates that this missense variant does not alter protein structure/function; Has not been previously published as pathogenic or benign to our knowledge

NM_014491.4(FOXP2):c.2065T>G (p.Leu689Val)

Gene: FOXP2 (forkhead box P2; plus strand). Cytogenetic location: 7q31.1.
Variant type: single nucleotide variant.
Coding change: c.2065T>G on transcript NM_014491.4 (MANE Select); coding-DNA position 2065, T replaced by G.
Protein change: p.Leu689Val; replaces leucine 689 with valine.
Molecular consequence: missense variant. On other transcripts: non-coding transcript variant (2).
Genome position (GRCh38, 1-based): chr7:114,689,843, T>G. VCF-style: chr7-114689843-T-G. GRCh37 (hg19) VCF-style: chr7-114329898-T-G.
Other names: c.2062T>G, p.Leu688Val (NM_001172766.3); c.2140T>G, p.Leu714Val (NM_148898.4); c.2116T>G, p.Leu706Val (NM_148900.4); short protein forms L688V, L689V, L706V, L714V.
Identifiers: ClinVar variation 3378215 (VCV003378215.1).
Genomic context (GRCh38, chr7:114,689,843, plus strand): 5'-CATTCAATCCACGTCAAGGAAGAGCCAGTGATTGCAGAGGATGAAGACTGCCCAATGTCC[T>G]TAGTGACAACAGCTAATCACAGTCCAGAATTAGAAGACGACAGAGAGATTGAAGAAGAGC-3'
Protein context (NP_055306.1, residues 679-699): IAEDEDCPMS[Leu689Val]VTTANHSPEL